The following is an entry in ClinVar:

ClinVar aggregate classification (germline): no classifications from unflagged records (0 of 4 stars; one submission).

Conditions:
Aural atresia, congenital (CAA). Also called: AURAL ATRESIA, CONGENITAL, WITH HYPOSMIA. Identifiers: MedGen C1842937, MONDO:0011921, OMIM 607842.

Submission:

OMIM
Classification: Pathogenic for AURAL ATRESIA, CONGENITAL. Last evaluated: 2014-03-01. Review status: flagged submission. Collection method: literature only. Allele origin: germline.
ClinVar note: Notes: Flagging candidate with reason of insufficient supporting evidence. This gene has been classified as having a limited gene-disease relationship by a ClinGen Expert Panel
ClinVar note: Reason: P/LP classification for a variant in a gene with insufficient evidence for a gene-disease relationship

Literature cited by the submitters: PubMed 22152683; PubMed 24487590.

NM_001308210.2(TSHZ1):c.1081_1082insA (p.Pro361fs)

Gene: TSHZ1 (teashirt zinc finger homeobox 1; plus strand). Cytogenetic location: 18q22.3.
Variant type: Insertion.
Coding change: c.1081_1082insA on transcript NM_001308210.2 (MANE Select); coding-DNA positions 1081 to 1082, A inserted.
Protein change: p.Pro361fs; shifts the reading frame from proline 361.
Molecular consequence: frameshift variant.
Genome position: GRCh38 VCF-style: chr18-75286488-C-CA. GRCh37 (hg19) VCF-style: chr18-72998443-C-CA.
Other names: c.946_947insA, p.Pro316fs (NM_005786.6); short protein forms P316fs, P361fs.
Identifiers: ClinVar variation 31185 (VCV000031185.2), dbSNP rs730882069, ClinGen allele CA129736.
Genomic context (GRCh38, chr18:75,286,488, plus strand): 5'-GTGCCAGCCATCACCAAACTGGTCCCCTCCACCAAAAAGCGGGCGCTTCAGGACCTGGCG[C>CA]CCCCCTGCTCCCCTGAGCCAGCAGGAATGGCCGCAGAGGTGGCCCTGAGTGAGTCAGCCA-3'